The following is an entry in ClinVar:

NM_020975.6(RET):c.349C>T (p.Pro117Ser)

Gene: RET (ret proto-oncogene; plus strand). Cytogenetic location: 10q11.21.
Variant type: single nucleotide variant.
Coding change: c.349C>T on transcript NM_020975.6 (MANE Select); coding-DNA position 349, C replaced by T.
Protein change: p.Pro117Ser; replaces proline 117 with serine.
Molecular consequence: missense variant.
Genome position (GRCh38, 1-based): chr10:43,102,353, C>T. VCF-style: chr10-43102353-C-T. GRCh37 (hg19) VCF-style: chr10-43597801-C-T.
Other names: c.349C>T, p.Pro117Ser (NM_000323.2, NM_001406743.1, NM_001406744.1 and 16 more transcripts); short protein forms P117S.
Identifiers: ClinVar variation 1008711 (VCV001008711.9), dbSNP rs868523779, ClinGen allele CA206713300.

ClinVar aggregate classification (germline): Uncertain significance (1 of 4 stars; one submission).

Conditions:
Multiple endocrine neoplasia, type 2 (MEN2). Identifiers: Orphanet 653, MedGen C4048306, MONDO:0019003. Disease mechanism: gain of function.

Submission:

Labcorp Genetics (formerly Invitae), Labcorp
Classification: Uncertain significance for Multiple endocrine neoplasia, type 2. Last evaluated: 2020-11-13. Review status: criteria provided, single submitter. Criteria: Invitae Variant Classification Sherloc (09022015). Collection method: clinical testing. Allele origin: germline.
Comment: This sequence change replaces proline with serine at codon 117 of the RET protein (p.Pro117Ser). The proline residue is weakly conserved and there is a moderate physicochemical difference between proline and serine. This variant is not present in population databases (ExAC no frequency). This variant has not been reported in the literature in individuals with RET-related conditions. Algorithms developed to predict the effect of missense changes on protein structure and function (SIFT, PolyPhen-2, Align-GVGD) all suggest that this variant is likely to be tolerated, but these predictions have not been confirmed by published functional studies and their clinical significance is uncertain. In summary, the available evidence is currently insufficient to determine the role of this variant in disease. Therefore, it has been classified as a Variant of Uncertain Significance.